The following is an entry in ClinVar:

ClinVar aggregate classification (germline): Uncertain significance (1 of 4 stars; one submission).

gnomAD v4.1: 9 of 1,613,616 alleles (0.00056%); highest among the groups gnomAD compares: Admixed American, 0.0017%; no homozygotes.

Submission:

Labcorp Genetics (formerly Invitae), Labcorp
Classification: Uncertain significance. Last evaluated: 2025-02-15. Review status: criteria provided, single submitter. Criteria: Invitae Variant Classification Sherloc (09022015). Collection method: clinical testing. Allele origin: germline.
Comment: This sequence change replaces arginine, which is basic and polar, with histidine, which is basic and polar, at codon 1232 of the SRCAP protein (p.Arg1232His). This variant is present in population databases (rs755853095, gnomAD 0.002%). This variant has not been reported in the literature in individuals affected with SRCAP-related conditions. Invitae Evidence Modeling of protein sequence and biophysical properties (such as structural, functional, and spatial information, amino acid conservation, physicochemical variation, residue mobility, and thermodynamic stability) indicates that this missense variant is not expected to disrupt SRCAP protein function with a negative predictive value of 80%. In summary, the available evidence is currently insufficient to determine the role of this variant in disease. Therefore, it has been classified as a Variant of Uncertain Significance.

NM_006662.3(SRCAP):c.3695G>A (p.Arg1232His)

Gene: SRCAP (Snf2 related CREBBP activator protein; plus strand). Cytogenetic location: 16p11.2.
Variant type: single nucleotide variant.
Coding change: c.3695G>A on transcript NM_006662.3 (MANE Select); coding-DNA position 3695, G replaced by A.
Protein change: p.Arg1232His; replaces arginine 1232 with histidine.
Molecular consequence: missense variant.
Genome position (GRCh38, 1-based): chr16:30,722,275, G>A. VCF-style: chr16-30722275-G-A. GRCh37 (hg19) VCF-style: chr16-30733596-G-A.
Other names: short protein forms R1232H.
Identifiers: ClinVar variation 4748618 (VCV004748618.1).